The following is an entry in ClinVar:

ClinVar aggregate classification (germline): Uncertain significance (1 of 4 stars; one submission).

Submission:

Labcorp Genetics (formerly Invitae), Labcorp
Classification: Uncertain significance. Last evaluated: 2024-05-25. Review status: criteria provided, single submitter. Criteria: Invitae Variant Classification Sherloc (09022015). Collection method: clinical testing. Allele origin: germline.
Comment: This sequence change replaces proline, which is neutral and non-polar, with alanine, which is neutral and non-polar, at codon 399 of the NR2E3 protein (p.Pro399Ala). This variant is not present in population databases (gnomAD no frequency). This variant has not been reported in the literature in individuals affected with NR2E3-related conditions. ClinVar contains an entry for this variant (Variation ID: 1345603). Advanced modeling of protein sequence and biophysical properties (such as structural, functional, and spatial information, amino acid conservation, physicochemical variation, residue mobility, and thermodynamic stability) performed at Invitae indicates that this missense variant is not expected to disrupt NR2E3 protein function with a negative predictive value of 80%. In summary, the available evidence is currently insufficient to determine the role of this variant in disease. Therefore, it has been classified as a Variant of Uncertain Significance.

NM_014249.4(NR2E3):c.1195C>G (p.Pro399Ala)

Gene: NR2E3 (nuclear receptor subfamily 2 group E member 3; plus strand). Cytogenetic location: 15q23.
Variant type: single nucleotide variant.
Coding change: c.1195C>G on transcript NM_014249.4 (MANE Select); coding-DNA position 1195, C replaced by G.
Protein change: p.Pro399Ala; replaces proline 399 with alanine.
Molecular consequence: missense variant.
Genome position (GRCh38, 1-based): chr15:71,817,646, C>G. VCF-style: chr15-71817646-C-G. GRCh37 (hg19) VCF-style: chr15-72109987-C-G.
Other names: short protein forms P399A.
Identifiers: ClinVar variation 1345603 (VCV001345603.6), dbSNP rs199564404, ClinGen allele CA393041610.